The following is an entry in ClinVar:

NM_001291303.3(FAT4):c.11966A>C (p.Glu3989Ala)

Gene: FAT4 (FAT atypical cadherin 4; plus strand). Cytogenetic location: 4q28.1.
Variant type: single nucleotide variant.
Coding change: c.11966A>C on transcript NM_001291303.3 (MANE Select); coding-DNA position 11966, A replaced by C.
Protein change: p.Glu3989Ala; replaces glutamic acid 3989 with alanine.
Molecular consequence: missense variant.
Genome position (GRCh38, 1-based): chr4:125,468,572, A>C. VCF-style: chr4-125468572-A-C. GRCh37 (hg19) VCF-style: chr4-126389727-A-C.
Other names: c.11966A>C, p.Glu3989Ala (NM_001291285.3); c.11960A>C, p.Glu3987Ala (NM_024582.6); c.11960A>C (NM_024582.4); short protein forms E3987A, E3989A.
Identifiers: ClinVar variation 1372326 (VCV001372326.7), dbSNP rs2126076090, ClinGen allele CA358127575.
Genomic context (GRCh38, chr4:125,468,572, plus strand): 5'-GTGTCTTTGGAAAACACTGCGAGTTGAACAGTTATGGATTTGAGGAGTTATCATACATGG[A>C]ATTTCCAAGCTTGGACCCCAATAACAACTATATTTATGTCAAATTTGCCACGATTAAAAG-3'
Protein context (NP_001278232.1, residues 3979-3999): SYGFEELSYM[Glu3989Ala]FPSLDPNNNY

ClinVar aggregate classification (germline): Uncertain significance. Review status: criteria provided, multiple submitters, no conflicts (2 of 4 stars). 2 submissions from 2 submitters: Uncertain significance (2). Last evaluated 2022-12-05.

Conditions:
Inborn genetic diseases. Identifiers: MedGen C0950123, MeSH D030342.

Submissions (2):

Ambry Genetics
Classification: Uncertain significance for Inborn genetic diseases. Last evaluated: 2022-12-05. Review status: criteria provided, single submitter. Criteria: Ambry Variant Classification Scheme 2023. Collection method: clinical testing. Allele origin: germline.

Labcorp Genetics (formerly Invitae), Labcorp
Classification: Uncertain significance. Last evaluated: 2021-10-13. Review status: criteria provided, single submitter. Criteria: Invitae Variant Classification Sherloc (09022015). Collection method: clinical testing. Allele origin: germline.
Comment: In summary, the available evidence is currently insufficient to determine the role of this variant in disease. Therefore, it has been classified as a Variant of Uncertain Significance. Advanced modeling of protein sequence and biophysical properties (such as structural, functional, and spatial information, amino acid conservation, physicochemical variation, residue mobility, and thermodynamic stability) performed at Invitae indicates that this missense variant is not expected to disrupt FAT4 protein function. This variant has not been reported in the literature in individuals affected with FAT4-related conditions. This variant is not present in population databases (ExAC no frequency). This sequence change replaces glutamic acid with alanine at codon 3987 of the FAT4 protein (p.Glu3987Ala). The glutamic acid residue is highly conserved and there is a moderate physicochemical difference between glutamic acid and alanine.